The following is an entry in ClinVar:

ClinVar aggregate classification (germline): Uncertain significance (1 of 4 stars; one submission).

Allele frequency attached by ClinVar (database versions not stated): gnomAD exomes 0.00001; TOPMed 0.00001.
gnomAD v4.1: 9 of 1,613,924 alleles (0.00056%); highest among the groups gnomAD compares: Non-Finnish European, 0.00076%; no homozygotes.

Submission:

Labcorp Genetics (formerly Invitae), Labcorp
Classification: Uncertain significance. Last evaluated: 2023-08-05. Review status: criteria provided, single submitter. Criteria: Invitae Variant Classification Sherloc (09022015). Collection method: clinical testing. Allele origin: germline.
Comment: This variant has not been reported in the literature in individuals affected with CSF2RB-related conditions. This sequence change replaces glycine, which is neutral and non-polar, with valine, which is neutral and non-polar, at codon 685 of the CSF2RB protein (p.Gly685Val). This variant is present in population databases (no rsID available, gnomAD 0.0009%). Advanced modeling of protein sequence and biophysical properties (such as structural, functional, and spatial information, amino acid conservation, physicochemical variation, residue mobility, and thermodynamic stability) performed at Invitae indicates that this missense variant is not expected to disrupt CSF2RB protein function. In summary, the available evidence is currently insufficient to determine the role of this variant in disease. Therefore, it has been classified as a Variant of Uncertain Significance.

NM_000395.3(CSF2RB):c.2054G>T (p.Gly685Val)

Gene: CSF2RB (colony stimulating factor 2 receptor subunit beta; plus strand). Cytogenetic location: 22q12.3.
Variant type: single nucleotide variant.
Coding change: c.2054G>T on transcript NM_000395.3 (MANE Select); coding-DNA position 2054, G replaced by T.
Protein change: p.Gly685Val; replaces glycine 685 with valine.
Molecular consequence: missense variant.
Genome position (GRCh38, 1-based): chr22:36,937,862, G>T. VCF-style: chr22-36937862-G-T. GRCh37 (hg19) VCF-style: chr22-37333904-G-T.
Other names: c.2072G>T, p.Gly691Val (NM_001410827.1); short protein forms G691V, G685V.
Identifiers: ClinVar variation 2788642 (VCV002788642.3), dbSNP rs1422851707, ClinGen allele CA411410729.